The following is an entry in ClinVar:

NM_016148.5(SHANK1):c.582G>A (p.Lys194=)

Gene: SHANK1 (SH3 and multiple ankyrin repeat domains 1; minus strand). Cytogenetic location: 19q13.33.
Variant type: single nucleotide variant.
Coding change: c.582G>A on transcript NM_016148.5 (MANE Select); coding-DNA position 582, G replaced by A.
Protein change: p.Lys194=; no amino-acid change (lysine 194 retained).
Molecular consequence: synonymous variant.
Genome position (GRCh38, 1-based): chr19:50,714,240, C>T on the plus strand (G>A on the coding strand, the complement: SHANK1 is on the minus strand). VCF-style: chr19-50714240-C-T. GRCh37 (hg19) VCF-style: chr19-51217497-C-T.
Identifiers: ClinVar variation 729000 (VCV000729000.5), dbSNP rs111292432, ClinGen allele CA9602128.

ClinVar aggregate classification (germline): Benign/Likely benign. Review status: criteria provided, multiple submitters, no conflicts (2 of 4 stars). 3 submissions from 3 submitters: Benign (1); Likely benign (2). Last evaluated 2026-08-01.

Allele frequency attached by ClinVar (database versions not stated): gnomAD exomes 0.00021 and 0.00061; ExAC 0.00067; ESP Exome Variant Server 0.00215; gnomAD 0.00232 and 0.00245; 1000 Genomes Project 0.00260; TOPMed 0.00274; 1000 Genomes Project 30x 0.00281.
gnomAD v4.1: 688 of 1,614,182 alleles (0.043%); highest among the groups gnomAD compares: African/African-American, 0.65%; 4 homozygotes.

Submissions (3):

CeGaT Center for Human Genetics Tuebingen
Classification: Likely benign. Last evaluated: 2026-08-01. Review status: criteria provided, single submitter. Criteria: CeGaT Center For Human Genetics Tuebingen Variant Classification Criteria Version 2. Collection method: clinical testing. Allele origin: germline. Affected: yes. Observed: 1 variant allele.
Comment: SHANK1: BP4, BP7

Blueprint Genetics
Classification: Likely benign. Last evaluated: 2024-07-15. Review status: criteria provided, single submitter. Criteria: ACMG Guidelines, 2015. Collection method: clinical testing. Allele origin: germline.

Labcorp Genetics (formerly Invitae), Labcorp
Classification: Benign. Last evaluated: 2018-08-20. Review status: criteria provided, single submitter. Criteria: Invitae Variant Classification Sherloc (09022015). Collection method: clinical testing. Allele origin: germline.